The following is an entry in ClinVar:

NM_138694.4(PKHD1):c.1829A>G (p.Tyr610Cys)

Gene: PKHD1 (PKHD1 ciliary IPT domain containing fibrocystin/polyductin; minus strand). Cytogenetic location: 6p12.2.
Variant type: single nucleotide variant.
Coding change: c.1829A>G on transcript NM_138694.4 (MANE Select); coding-DNA position 1829, A replaced by G.
Protein change: p.Tyr610Cys; replaces tyrosine 610 with cysteine.
Molecular consequence: missense variant.
Genome position (GRCh38, 1-based): chr6:52,055,594, T>C on the plus strand (A>G on the coding strand, the complement: PKHD1 is on the minus strand). VCF-style: chr6-52055594-T-C. GRCh37 (hg19) VCF-style: chr6-51920392-T-C.
Other names: c.1829A>G, p.Tyr610Cys (NM_170724.3); c.1829A>G (NM_138694.3); short protein forms Y610C.
Identifiers: ClinVar variation 369725 (VCV000369725.52), dbSNP rs199846197, ClinGen allele CA10654774.

ClinVar aggregate classification (germline): Uncertain significance. Review status: criteria provided, multiple submitters, no conflicts (2 of 4 stars). 6 submissions from 6 submitters: Uncertain significance (6). Last evaluated 2026-01-29.

Conditions:
Inborn genetic diseases. Identifiers: MedGen C0950123, MeSH D030342.
Polycystic kidney disease 4 (PKD4). Also called: PKD3; POLYCYSTIC KIDNEY AND HEPATIC DISEASE 1; POLYCYSTIC KIDNEY DISEASE, INFANTILE, TYPE I; Autosomal Recessive Polycystic Kidney Disease – PKHD1; POLYCYSTIC KIDNEY DISEASE 4 WITH OR WITHOUT POLYCYSTIC LIVER DISEASE. Identifiers: MedGen C4540575, MONDO:0033004, OMIM 263200.
Autosomal recessive polycystic kidney disease (ARPKD). Also called: AR polycystic kidney disease. Identifiers: Orphanet 731, Orphanet 8378, MedGen C0085548, MeSH D017044, MONDO:0009889.

Allele frequency attached by ClinVar (database versions not stated): gnomAD exomes 0.00001; gnomAD 0.00004 and 0.00005; TOPMed 0.00007; 1000 Genomes Project 0.00020; 1000 Genomes Project 30x 0.00031.
gnomAD v4.1: 12 of 1,613,988 alleles (0.00074%); highest among the groups gnomAD compares: Admixed American, 0.0067%; no homozygotes.

Submissions (6):

Myriad Genetics, Inc.
Classification: Uncertain significance for Polycystic kidney disease 4. Last evaluated: 2026-01-29. Review status: criteria provided, single submitter. Criteria: Myriad Autosomal Dominant, Autosomal Recessive and X-Linked Classification Criteria (2023). Collection method: clinical testing. Allele origin: unknown.
Comment: NM_138694.3(PKHD1):c.1829A>G(Y610C) is a missense variant classified as a variant of uncertain significance in the context of autosomal recessive polycystic kidney disease, PKHD1-related. Y610C has been observed in a case with relevant disease (PMID: 38547852). Relevant functional assessments of this variant are not available in the literature. Y610C has been observed in referenced population frequency databases. In summary, there is insufficient evidence to classify NM_138694.3(PKHD1):c.1829A>G(Y610C) as pathogenic or benign. Please note: this variant was assessed in the context of healthy population screening.

Labcorp Genetics (formerly Invitae), Labcorp
Classification: Uncertain significance for Autosomal recessive polycystic kidney disease. Last evaluated: 2025-12-15. Review status: criteria provided, single submitter. Criteria: Invitae Variant Classification Sherloc (09022015). Collection method: clinical testing. Allele origin: germline.
Comment: This sequence change replaces tyrosine, which is neutral and polar, with cysteine, which is neutral and slightly polar, at codon 610 of the PKHD1 protein (p.Tyr610Cys). This variant is present in population databases (rs199846197, gnomAD 0.008%). This variant has not been reported in the literature in individuals affected with PKHD1-related conditions. ClinVar contains an entry for this variant (Variation ID: 369725). Invitae Evidence Modeling of protein sequence and biophysical properties (such as structural, functional, and spatial information, amino acid conservation, physicochemical variation, residue mobility, and thermodynamic stability) has been performed for this missense variant. However, the output from this modeling did not meet the statistical confidence thresholds required to predict the impact of this variant on PKHD1 protein function. In summary, the available evidence is currently insufficient to determine the role of this variant in disease. Therefore, it has been classified as a Variant of Uncertain Significance.

Ambry Genetics
Classification: Uncertain significance for Inborn genetic diseases. Last evaluated: 2024-02-12. Review status: criteria provided, single submitter. Criteria: Ambry Variant Classification Scheme 2023. Collection method: clinical testing. Allele origin: germline.

Fulgent Genetics
Classification: Uncertain significance for Polycystic kidney disease 4. Last evaluated: 2021-07-19. Review status: criteria provided, single submitter. Criteria: ACMG Guidelines, 2015. Collection method: clinical testing. Allele origin: unknown.

CeGaT Center for Human Genetics Tuebingen
Classification: Uncertain significance. Last evaluated: 2019-05-01. Review status: criteria provided, single submitter. Criteria: CeGaT Center For Human Genetics Tuebingen Variant Classification Criteria Version 2. Collection method: clinical testing. Allele origin: germline. Affected: yes. Observed: 1 variant allele.

Eurofins Ntd Llc (ga)
Classification: Uncertain significance. Last evaluated: 2015-08-20. Review status: criteria provided, single submitter. Criteria: EGL Classification Definitions 2015. Collection method: clinical testing. Allele origin: germline. Observed: 1 variant allele, 1 heterozygote.

Literature cited by the submitters: PubMed 38547852 (cited by Myriad Genetics, Inc.).